The following is an entry in ClinVar:

ClinVar aggregate classification (germline): Conflicting classifications of pathogenicity. Review status: criteria provided, conflicting classifications (1 of 4 stars). 3 submissions from 3 submitters: Uncertain significance (2); Likely benign (1). Last evaluated 2025-08-21.

Allele frequency attached by ClinVar (database versions not stated): gnomAD exomes 0.00004; ExAC 0.00011; gnomAD 0.00027; ESP Exome Variant Server 0.00031; TOPMed 0.00032; 1000 Genomes Project 30x 0.00094; 1000 Genomes Project 0.00100.
gnomAD v4.1: 104 of 1,614,192 alleles (0.0064%); highest among the groups gnomAD compares: African/African-American, 0.081%; no homozygotes.

Submissions (3):

Ambry Genetics
Classification: Likely benign. Last evaluated: 2025-08-21. Review status: criteria provided, single submitter. Criteria: Ambry Variant Classification Scheme 2023. Collection method: clinical testing. Allele origin: germline.

Blueprint Genetics
Classification: Uncertain significance. Last evaluated: 2024-02-07. Review status: criteria provided, single submitter. Criteria: ACMG Guidelines, 2015. Collection method: clinical testing. Allele origin: germline.

Labcorp Genetics (formerly Invitae), Labcorp
Classification: Uncertain significance. Last evaluated: 2023-10-06. Review status: criteria provided, single submitter. Criteria: Invitae Variant Classification Sherloc (09022015). Collection method: clinical testing. Allele origin: germline.
Comment: This sequence change replaces arginine, which is basic and polar, with glutamine, which is neutral and polar, at codon 567 of the NUP85 protein (p.Arg567Gln). This variant is present in population databases (rs145404739, gnomAD 0.06%). This variant has not been reported in the literature in individuals affected with NUP85-related conditions. ClinVar contains an entry for this variant (Variation ID: 2181358). Algorithms developed to predict the effect of missense changes on protein structure and function output the following: SIFT: "Not Available"; PolyPhen-2: "Benign"; Align-GVGD: "Not Available". The glutamine amino acid residue is found in multiple mammalian species, which suggests that this missense change does not adversely affect protein function. In summary, the available evidence is currently insufficient to determine the role of this variant in disease. Therefore, it has been classified as a Variant of Uncertain Significance.

NM_024844.5(NUP85):c.1700G>A (p.Arg567Gln)

Gene: NUP85 (nucleoporin 85; plus strand). Cytogenetic location: 17q25.1.
Variant type: single nucleotide variant.
Coding change: c.1700G>A on transcript NM_024844.5 (MANE Select); coding-DNA position 1700, G replaced by A.
Protein change: p.Arg567Gln; replaces arginine 567 with glutamine.
Molecular consequence: missense variant.
Genome position (GRCh38, 1-based): chr17:75,234,721, G>A. VCF-style: chr17-75234721-G-A. GRCh37 (hg19) VCF-style: chr17-73230816-G-A.
Other names: c.1562G>A, p.Arg521Gln (NM_001303276.2); c.1565G>A, p.Arg522Gln (NM_001330472.2); c.1700G>A (NM_024844.3); short protein forms R521Q, R522Q, R567Q.
Identifiers: ClinVar variation 2181358 (VCV002181358.5), dbSNP rs145404739, ClinGen allele CA8758966.